The following is an entry in ClinVar:

NM_005633.4(SOS1):c.3484G>T (p.Ala1162Ser)

Gene: SOS1 (SOS Ras/Rac guanine nucleotide exchange factor 1; minus strand). Cytogenetic location: 2p22.1.
Variant type: single nucleotide variant.
Coding change: c.3484G>T on transcript NM_005633.4 (MANE Select); coding-DNA position 3484, G replaced by T.
Protein change: p.Ala1162Ser; replaces alanine 1162 with serine.
Molecular consequence: missense variant.
Genome position (GRCh38, 1-based): chr2:38,987,499, C>A on the plus strand (G>T on the coding strand, the complement: SOS1 is on the minus strand). VCF-style: chr2-38987499-C-A. GRCh37 (hg19) VCF-style: chr2-39214640-C-A.
Other names: c.3463G>T, p.Ala1155Ser (NM_001382394.1); c.3439G>T, p.Ala1147Ser (NM_001382395.1); short protein forms A1147S, A1155S, A1162S.
Identifiers: ClinVar variation 4733607 (VCV004733607.1).
Genomic context (GRCh38, chr2:38,987,499, plus strand): 5'-TCCAATTTCTACACAACAAGATTTCTTACTTTACCTTAGATGGTGAAGATTCTGCTGGGG[C>A]AGATTCTGGTCGTCTTCGTGGAGGAACAGGAGGAGGGACAGGCACTTCATCAGTGCCTTT-3'
Protein context (NP_005624.2, residues 1152-1172): PVPPRRRPES[Ala1162Ser]PAESSPSKIM

ClinVar aggregate classification (germline): Uncertain significance (1 of 4 stars; one submission).

Conditions:
RASopathy. Also called: rasopathies; Noonan spectrum disorder. Identifiers: Orphanet 536391, MedGen C5555857, MONDO:0021060.

Submission:

Labcorp Genetics (formerly Invitae), Labcorp
Classification: Uncertain significance for RASopathy. Last evaluated: 2025-05-18. Review status: criteria provided, single submitter. Criteria: Invitae Variant Classification Sherloc (09022015). Collection method: clinical testing. Allele origin: germline.
Comment: This sequence change replaces alanine, which is neutral and non-polar, with serine, which is neutral and polar, at codon 1162 of the SOS1 protein (p.Ala1162Ser). This variant is not present in population databases (gnomAD no frequency). This variant has not been reported in the literature in individuals affected with SOS1-related conditions. Invitae Evidence Modeling of protein sequence and biophysical properties (such as structural, functional, and spatial information, amino acid conservation, physicochemical variation, residue mobility, and thermodynamic stability) indicates that this missense variant is not expected to disrupt SOS1 protein function with a negative predictive value of 95%. In summary, the available evidence is currently insufficient to determine the role of this variant in disease. Therefore, it has been classified as a Variant of Uncertain Significance.